The following is an entry in ClinVar:

ClinVar aggregate classification (germline): Uncertain significance. Review status: criteria provided, multiple submitters, no conflicts (2 of 4 stars). 2 submissions from 2 submitters: Uncertain significance (2). Last evaluated 2025-12-01.

Conditions:
Inborn genetic diseases. Identifiers: MedGen C0950123, MeSH D030342.
Pulmonary fibrosis and/or bone marrow failure, Telomere-related, 3. Also called: PULMONARY FIBROSIS AND/OR BONE MARROW FAILURE SYNDROME, TELOMERE-RELATED, 3. Identifiers: Orphanet 2032, MedGen C4225346, MONDO:0014613, OMIM 616373.
Dyskeratosis congenita, autosomal recessive 5 (DKCB5). Identifiers: MedGen C3554656, MONDO:0014076, OMIM 615190.

Allele frequency attached by ClinVar (database versions not stated): gnomAD 0.00001.
gnomAD v4.1: 7 of 1,612,156 alleles (0.00043%); highest among the groups gnomAD compares: Non-Finnish European, 0.00059%; no homozygotes.

Submissions (2):

Labcorp Genetics (formerly Invitae), Labcorp
Classification: Uncertain significance for Dyskeratosis congenita, autosomal recessive 5; Pulmonary fibrosis and/or bone marrow failure, Telomere-related, 3. Last evaluated: 2025-12-01. Review status: criteria provided, single submitter. Criteria: Invitae Variant Classification Sherloc (09022015). Collection method: clinical testing. Allele origin: germline.
Comment: This sequence change replaces lysine, which is basic and polar, with arginine, which is basic and polar, at codon 1005 of the RTEL1 protein (p.Lys1005Arg). This variant is not present in population databases (gnomAD no frequency). This variant has not been reported in the literature in individuals affected with RTEL1-related conditions. ClinVar contains an entry for this variant (Variation ID: 2194071). An algorithm developed to predict the effect of missense changes on protein structure and function outputs the following: PolyPhen-2: "Benign". The arginine amino acid residue is found in multiple mammalian species, which suggests that this missense change does not adversely affect protein function. In summary, the available evidence is currently insufficient to determine the role of this variant in disease. Therefore, it has been classified as a Variant of Uncertain Significance.

Ambry Genetics
Classification: Uncertain significance for Inborn genetic diseases. Last evaluated: 2025-02-16. Review status: criteria provided, single submitter. Criteria: Ambry Variant Classification Scheme 2023. Collection method: clinical testing. Allele origin: germline.
Comment: The p.K1005R variant (also known as c.3014A>G), located in coding exon 30 of the RTEL1 gene, results from an A to G substitution at nucleotide position 3014. The lysine at codon 1005 is replaced by arginine, an amino acid with highly similar properties. This amino acid position is conserved. In addition, this alteration is predicted to be tolerated by in silico analysis. Based on the available evidence, the clinical significance of this variant remains unclear.

NM_001283009.2(RTEL1):c.3014A>G (p.Lys1005Arg)

Genes: RTEL1 (regulator of telomere elongation helicase 1; plus strand), RTEL1-TNFRSF6B (RTEL1-TNFRSF6B readthrough (NMD candidate); plus strand). Cytogenetic location: 20q13.33.
Variant type: single nucleotide variant.
Coding change: c.3014A>G on transcript NM_001283009.2 (MANE Select); coding-DNA position 3014, A replaced by G.
Protein change: p.Lys1005Arg; replaces lysine 1005 with arginine.
Molecular consequence: missense variant. On other transcripts: non-coding transcript variant (1).
Genome position (GRCh38, 1-based): chr20:63,694,393, A>G. VCF-style: chr20-63694393-A-G. GRCh37 (hg19) VCF-style: chr20-62325746-A-G.
Other names: c.2345A>G, p.Lys782Arg (NM_001283010.1); c.3014A>G, p.Lys1005Arg (NM_016434.4); c.3086A>G, p.Lys1029Arg (NM_032957.5); short protein forms K782R, K1005R, K1029R.
Identifiers: ClinVar variation 2194071 (VCV002194071.3), dbSNP rs759192968, ClinGen allele CA409684403.